The following is an entry in ClinVar:

ClinVar aggregate classification (germline): Likely benign. Review status: reviewed by expert panel (3 of 4 stars). 2 submissions from 2 submitters: Likely benign (1). 1 of the submissions does not count toward it. Last evaluated 2025-10-17.

Conditions:
X-linked severe combined immunodeficiency (SCIDX1). Also called: IMMUNODEFICIENCY 4; SCID, X-LINKED; SEVERE COMBINED IMMUNODEFICIENCY, X-LINKED, T CELL-NEGATIVE, B CELL-POSITIVE, NK CELL-NEGATIVE; T-B+ severe combined immunodeficiency due to gamma chain deficiency; X-Linked Combined Immunodeficiency Diseases. Identifiers: Orphanet 276, MedGen C6022468, MONDO:0010315, OMIM 300400. Disease mechanism: loss of function.

Allele frequency attached by ClinVar (database versions not stated): gnomAD 0.00001; TOPMed 0.00001; gnomAD exomes 0.00003 and 0.00007; ExAC 0.00007.

Submissions (2):

ClinGen Severe Combined Immunodeficiency Variant Curation Expert Panel, ClinGen
Classification: Likely benign for X-linked severe combined immunodeficiency. Last evaluated: 2025-10-17. Review status: reviewed by expert panel. Criteria: ClinGen SCID ACMG Specifications IL2RG V2.1.0. Collection method: curation. Allele origin: germline. Inheritance: X-linked inheritance.
Comment: The c.348G>T (NM_000206.3) variant in IL2RG is a missense variant predicted to cause substitution of Glutamine by Histidine at amino acid 116 (p.Gln116His). The filtering allele frequency (the upper threshold of the 95% CI of 33/56774 alleles) of the c.348G>T variant in IL2RG is 0.0004249 for South Asian chromosomes by gnomAD v4, which is lower than the SCID VCEP threshold for BS1 (>0.00249) and BA1 (>0.01110) but higher than the threshold (<0.000124) for PM2_Supporting (BS1 not met, BA1 not met, PM2_Supporting not met). However, 25 adult hemizygous males with this variant are present in gnomAD v4 (South Asian n=23, and European (non-Finnish) n=2). BS2 is met. Therefore this variant is classified as likely benign based on the ACMG/AMP criteria applied, as specified by the ClinGen SCID VCEP: BS2 (VCEP specifications version 2.1.0).

Labcorp Genetics (formerly Invitae), Labcorp
Classification: Benign for X-linked severe combined immunodeficiency. Last evaluated: 2025-10-27. Review status: criteria provided, single submitter. Criteria: Invitae Variant Classification Sherloc (09022015). Collection method: clinical testing. Allele origin: germline. Not counted in ClinVar's aggregate classification.

NM_000206.3(IL2RG):c.348G>T (p.Gln116His)

Gene: IL2RG (interleukin 2 receptor subunit gamma; minus strand). Cytogenetic location: Xq13.1.
Variant type: single nucleotide variant.
Coding change: c.348G>T on transcript NM_000206.3 (MANE Select); coding-DNA position 348, G replaced by T.
Protein change: p.Gln116His; replaces glutamine 116 with histidine.
Molecular consequence: missense variant.
Genome position (GRCh38, 1-based): chrX:71,110,610, C>A on the plus strand (G>T on the coding strand, the complement: IL2RG is on the minus strand). VCF-style: chrX-71110610-C-A. GRCh37 (hg19) VCF-style: chrX-70330460-C-A.
Other names: NM_000206.3(IL2RG):c.348G>T; p.Gln116His; short protein forms Q116H.
Identifiers: ClinVar variation 1167755 (VCV001167755.10), dbSNP rs778547446, ClinGen allele CA10443885.